The following is an entry in ClinVar:

ClinVar aggregate classification (germline): Uncertain significance (1 of 4 stars; one submission).

Conditions:
Cardiovascular phenotype. Identifiers: MedGen CN230736.

gnomAD v4.1: 1 of 1,612,684 alleles (0.000062%); no homozygotes.

Submission:

Ambry Genetics
Classification: Uncertain significance for Cardiovascular phenotype. Last evaluated: 2026-05-03. Review status: criteria provided, single submitter. Criteria: Ambry Variant Classification Scheme 2023. Collection method: clinical testing. Allele origin: germline.
Comment: The p.D982V variant (also known as c.2945A>T), located in coding exon 16 of the SCN10A gene, results from an A to T substitution at nucleotide position 2945. The aspartic acid at codon 982 is replaced by valine, an amino acid with highly dissimilar properties. This amino acid position is conserved. In addition, this alteration is predicted to be tolerated by in silico analysis. Based on the available evidence, the clinical significance of this variant remains unclear.

NM_006514.4(SCN10A):c.2945A>T (p.Asp982Val)

Genes: SCN10A (sodium voltage-gated channel alpha subunit 10; minus strand), LOC110121288 (VISTA enhancer hs2268; plus strand). Cytogenetic location: 3p22.2.
Variant type: single nucleotide variant.
Coding change: c.2945A>T on transcript NM_006514.4 (MANE Select); coding-DNA position 2945, A replaced by T.
Protein change: p.Asp982Val; replaces aspartic acid 982 with valine.
Molecular consequence: missense variant.
Genome position (GRCh38, 1-based): chr3:38,726,748, T>A on the plus strand (A>T on the coding strand, the complement: SCN10A is on the minus strand). VCF-style: chr3-38726748-T-A. GRCh37 (hg19) VCF-style: chr3-38768239-T-A.
Other names: c.2945A>T, p.Asp982Val (NM_001293306.2); c.2651A>T, p.Asp884Val (NM_001293307.2); short protein forms D884V, D982V.
Identifiers: ClinVar variation 4864106 (VCV004864106.1).